The following is an entry in ClinVar:

ClinVar aggregate classification (germline): Uncertain significance (1 of 4 stars; one submission).

Allele frequency attached by ClinVar (database versions not stated): ExAC 0.00019; gnomAD 0.00040; TOPMed 0.00049; 1000 Genomes Project 30x 0.00062; ESP Exome Variant Server 0.00062; 1000 Genomes Project 0.00080.
gnomAD v4.1: 171 of 1,613,840 alleles (0.011%); highest among the groups gnomAD compares: African/African-American, 0.19%; no homozygotes.

Submission:

GeneDx
Classification: Uncertain significance. Last evaluated: 2022-08-16. Review status: criteria provided, single submitter. Criteria: GeneDx Variant Classification Process June 2021. Collection method: clinical testing. Allele origin: germline. Affected: yes.
Comment: In silico analysis supports that this missense variant does not alter protein structure/function; Has not been previously published as pathogenic or benign to our knowledge

NM_005085.4(NUP214):c.4408A>G (p.Thr1470Ala)

Gene: NUP214 (nucleoporin 214; plus strand). Cytogenetic location: 9q34.13.
Variant type: single nucleotide variant.
Coding change: c.4408A>G on transcript NM_005085.4 (MANE Select); coding-DNA position 4408, A replaced by G.
Protein change: p.Thr1470Ala; replaces threonine 1470 with alanine.
Molecular consequence: missense variant.
Genome position (GRCh38, 1-based): chr9:131,197,902, A>G. VCF-style: chr9-131197902-A-G. GRCh37 (hg19) VCF-style: chr9-134073289-A-G.
Other names: c.4378A>G, p.Thr1460Ala (NM_001318324.2); c.886A>G, p.Thr296Ala (NM_001318325.2); short protein forms T1460A, T1470A, T296A.
Identifiers: ClinVar variation 2430589 (VCV002430589.1), dbSNP rs141765862, ClinGen allele CA5289940.